The following is an entry in ClinVar:

ClinVar aggregate classification (germline): Uncertain significance (1 of 4 stars; one submission).

Allele frequency attached by ClinVar (database versions not stated): gnomAD exomes 0.00001; ExAC 0.00001; TOPMed 0.00001; gnomAD 0.00001.

Submission:

GeneDx
Classification: Uncertain significance. Last evaluated: 2019-12-16. Review status: criteria provided, single submitter. Criteria: GeneDx Variant Classification Process June 2021. Collection method: clinical testing. Allele origin: germline. Affected: yes.
Comment: Has not been previously published as pathogenic or benign to our knowledge; Not observed at a significant frequency in large population cohorts (Lek et al., 2016); In silico analysis, which includes protein predictors and evolutionary conservation, supports that this variant does not alter protein structure/function

NM_001253852.3(AP4B1):c.770A>G (p.Lys257Arg)

Genes: AP4B1 (adaptor related protein complex 4 subunit beta 1; minus strand), AP4B1-AS1 (AP4B1 antisense RNA 1; plus strand). Cytogenetic location: 1p13.2.
Variant type: single nucleotide variant.
Coding change: c.770A>G on transcript NM_001253852.3 (MANE Select); coding-DNA position 770, A replaced by G.
Protein change: p.Lys257Arg; replaces lysine 257 with arginine.
Molecular consequence: missense variant. On other transcripts: non-coding transcript variant (2).
Genome position (GRCh38, 1-based): chr1:113,900,248, T>C on the plus strand (A>G on the coding strand, the complement: AP4B1 is on the minus strand). VCF-style: chr1-113900248-T-C. GRCh37 (hg19) VCF-style: chr1-114442870-T-C.
Other names: c.473A>G, p.Lys158Arg (NM_001253853.3); c.266A>G, p.Lys89Arg (NM_001308312.2); c.770A>G, p.Lys257Arg (NM_006594.5); short protein forms K158R, K257R, K89R.
Identifiers: ClinVar variation 1311444 (VCV001311444.2), dbSNP rs765054828, ClinGen allele CA1016016.